The following is an entry in ClinVar:

ClinVar aggregate classification (germline): Uncertain significance (1 of 4 stars; one submission).

Conditions:
Propionic acidemia (PROP). Also called: GLYCINEMIA, KETOTIC; HYPERGLYCINEMIA WITH KETOACIDOSIS AND LEUKOPENIA; KETOTIC HYPERGLYCINEMIA. Identifiers: Orphanet 35, MedGen C0268579, MONDO:0011628, OMIM 606054, HP:0003571.

Allele frequency attached by ClinVar (database versions not stated): gnomAD exomes below 0.00001; ExAC 0.00001; gnomAD 0.00002; TOPMed 0.00003.
gnomAD v4.1: 7 of 1,594,824 alleles (0.00044%); highest among the groups gnomAD compares: African/African-American, 0.0027%; no homozygotes.

Submission:

Labcorp Genetics (formerly Invitae), Labcorp
Classification: Uncertain significance for Propionic acidemia. Last evaluated: 2022-05-08. Review status: criteria provided, single submitter. Criteria: Invitae Variant Classification Sherloc (09022015). Collection method: clinical testing. Allele origin: germline.
Comment: This sequence change replaces threonine, which is neutral and polar, with alanine, which is neutral and non-polar, at codon 251 of the PCCB protein (p.Thr251Ala). This variant is not present in population databases (gnomAD no frequency). This variant has not been reported in the literature in individuals affected with PCCB-related conditions. Algorithms developed to predict the effect of missense changes on protein structure and function are either unavailable or do not agree on the potential impact of this missense change (SIFT: "Deleterious"; PolyPhen-2: "Benign"; Align-GVGD: "Class C55"). In summary, the available evidence is currently insufficient to determine the role of this variant in disease. Therefore, it has been classified as a Variant of Uncertain Significance.

NM_000532.5(PCCB):c.751A>G (p.Thr251Ala)

Gene: PCCB (propionyl-CoA carboxylase subunit beta; plus strand). Cytogenetic location: 3q22.3.
Variant type: single nucleotide variant.
Coding change: c.751A>G on transcript NM_000532.5 (MANE Select); coding-DNA position 751, A replaced by G.
Protein change: p.Thr251Ala; replaces threonine 251 with alanine.
Molecular consequence: missense variant.
Genome position (GRCh38, 1-based): chr3:136,293,852, A>G. VCF-style: chr3-136293852-A-G. GRCh37 (hg19) VCF-style: chr3-136012694-A-G.
Other names: c.811A>G, p.Thr271Ala (NM_001178014.2); short protein forms T251A, T271A.
Identifiers: ClinVar variation 2180746 (VCV002180746.1), dbSNP rs768309097, ClinGen allele CA2631848.